The following is an entry in ClinVar:

ClinVar aggregate classification (germline): Uncertain significance. Review status: criteria provided, multiple submitters, no conflicts (2 of 4 stars). 3 submissions from 3 submitters: Uncertain significance (3). Last evaluated 2025-11-08.

Conditions:
Familial thoracic aortic aneurysm and aortic dissection (TAAD). Also called: Thoracic aortic aneurysms and dissections. Identifiers: Orphanet 91387, MedGen C4707243, MONDO:0019625.
Congenital contractural arachnodactyly (CCA). Also called: Beals-Hecht syndrome; BEALS SYNDROME; Arthrogryposis, distal, type 9. Identifiers: Orphanet 115, MedGen C0220668, MONDO:0007363, OMIM 121050.

Allele frequency attached by ClinVar (database versions not stated): gnomAD exomes below 0.00001; gnomAD 0.00001; TOPMed 0.00002.
gnomAD v4.1: 3 of 1,613,384 alleles (0.00019%); highest among the groups gnomAD compares: African/African-American, 0.0013%; no homozygotes.

Submissions (3):

Labcorp Genetics (formerly Invitae), Labcorp
Classification: Uncertain significance for Congenital contractural arachnodactyly. Last evaluated: 2025-11-08. Review status: criteria provided, single submitter. Criteria: Invitae Variant Classification Sherloc (09022015). Collection method: clinical testing. Allele origin: germline.
Comment: This sequence change replaces glycine, which is neutral and non-polar, with serine, which is neutral and polar, at codon 605 of the FBN2 protein (p.Gly605Ser). This variant is not present in population databases (gnomAD no frequency). This missense change has been observed in individuals with clinical features of congenital contractural arachnodactyly and/or thoracic aortic aneurysm (internal data). ClinVar contains an entry for this variant (Variation ID: 213278). Invitae Evidence Modeling of protein sequence and biophysical properties (such as structural, functional, and spatial information, amino acid conservation, physicochemical variation, residue mobility, and thermodynamic stability) indicates that this missense variant is expected to disrupt FBN2 protein function with a positive predictive value of 80%. In summary, the available evidence is currently insufficient to determine the role of this variant in disease. Therefore, it has been classified as a Variant of Uncertain Significance.

Ambry Genetics
Classification: Uncertain significance for Familial thoracic aortic aneurysm and aortic dissection. Last evaluated: 2024-08-06. Review status: criteria provided, single submitter. Criteria: Ambry Variant Classification Scheme 2023. Collection method: clinical testing. Allele origin: germline.
Comment: The p.G605S variant (also known as c.1813G>A), located in coding exon 13 of the FBN2 gene, results from a G to A substitution at nucleotide position 1813. The glycine at codon 605 is replaced by serine, an amino acid with similar properties, and is located in the cbEGF-like #05 domain. This amino acid position is highly conserved in available vertebrate species. In addition, this alteration is predicted to be deleterious by in silico analysis. Since supporting evidence is limited at this time, the clinical significance of this alteration remains unclear.

GeneDx
Classification: Uncertain significance. Last evaluated: 2022-08-12. Review status: criteria provided, single submitter. Criteria: GeneDx Variant Classification Process June 2021. Collection method: clinical testing. Allele origin: germline. Affected: yes.
Comment: Not observed at significant frequency in large population cohorts (gnomAD); In silico analysis supports that this missense variant has a deleterious effect on protein structure/function; Has not been previously published as pathogenic or benign to our knowledge; Although located in a calcium-binding EGF-like domain of the FBN2 gene, it does not substitute or introduce a cysteine residue (Callewaert et al., 2009; Frederic et al., 2009); This variant is associated with the following publications: (PMID: 19006240, 18767143)

NM_001999.4(FBN2):c.1813G>A (p.Gly605Ser)

Gene: FBN2 (fibrillin 2; minus strand). Cytogenetic location: 5q23.3.
Variant type: single nucleotide variant.
Coding change: c.1813G>A on transcript NM_001999.4 (MANE Select); coding-DNA position 1813, G replaced by A.
Protein change: p.Gly605Ser; replaces glycine 605 with serine.
Molecular consequence: missense variant.
Genome position (GRCh38, 1-based): chr5:128,377,788, C>T on the plus strand (G>A on the coding strand, the complement: FBN2 is on the minus strand). VCF-style: chr5-128377788-C-T. GRCh37 (hg19) VCF-style: chr5-127713481-C-T.
Other names: short protein forms G605S.
Identifiers: ClinVar variation 213278 (VCV000213278.14), dbSNP rs863223553, ClinGen allele CA324070.